The following is an entry in ClinVar:

NM_001171.6(ABCC6):c.3085G>A (p.Val1029Met)

Gene: ABCC6 (ATP binding cassette subfamily C member 6; minus strand). Cytogenetic location: 16p13.11.
Variant type: single nucleotide variant.
Coding change: c.3085G>A on transcript NM_001171.6 (MANE Select); coding-DNA position 3085, G replaced by A.
Protein change: p.Val1029Met; replaces valine 1029 with methionine.
Molecular consequence: missense variant. On other transcripts: non-coding transcript variant (1).
Genome position (GRCh38, 1-based): chr16:16,165,844, C>T on the plus strand (G>A on the coding strand, the complement: ABCC6 is on the minus strand). VCF-style: chr16-16165844-C-T. GRCh37 (hg19) VCF-style: chr16-16259701-C-T.
Other names: c.2743G>A, p.Val915Met (NM_001351800.1); short protein forms V915M, V1029M.
Identifiers: ClinVar variation 1515348 (VCV001515348.6), dbSNP rs1458521345, ClinGen allele CA394883248.
Genomic context (GRCh38, chr16:16,165,844, plus strand): 5'-AGAAGCGGTTTAGCAGGTGACCAATGGGTGTCCGCTCAAAGAAGCTGATGGGAGATCGCA[C>T]CACATCCCACAGGAGCCTCTGGAAGAGCAACCTGGATGCCCGGGCCCCACCTAGGAGCAC-3'
Protein context (NP_001162.5, residues 1019-1039): LLFQRLLWDV[Val1029Met]RSPISFFERT

ClinVar aggregate classification (germline): Uncertain significance (1 of 4 stars; one submission).

Allele frequency attached by ClinVar (database versions not stated): gnomAD exomes below 0.00001 and 0.00001; gnomAD 0.00001; TOPMed 0.00002.
gnomAD v4.1: 22 of 1,613,254 alleles (0.0014%); highest among the groups gnomAD compares: Non-Finnish European, 0.0019%; no homozygotes.

Submission:

Labcorp Genetics (formerly Invitae), Labcorp
Classification: Uncertain significance. Last evaluated: 2025-12-21. Review status: criteria provided, single submitter. Criteria: Invitae Variant Classification Sherloc (09022015). Collection method: clinical testing. Allele origin: germline.
Comment: This sequence change replaces valine, which is neutral and non-polar, with methionine, which is neutral and non-polar, at codon 1029 of the ABCC6 protein (p.Val1029Met). This variant is present in population databases (no rsID available, gnomAD 0.0009%). This variant has not been reported in the literature in individuals affected with ABCC6-related conditions. ClinVar contains an entry for this variant (Variation ID: 1515348). Invitae Evidence Modeling of protein sequence and biophysical properties (such as structural, functional, and spatial information, amino acid conservation, physicochemical variation, residue mobility, and thermodynamic stability) indicates that this missense variant is not expected to disrupt ABCC6 protein function with a negative predictive value of 95%. In summary, the available evidence is currently insufficient to determine the role of this variant in disease. Therefore, it has been classified as a Variant of Uncertain Significance.